The following is an entry in ClinVar:

ClinVar aggregate classification (germline): Likely benign (1 of 4 stars; one submission).

Submission:

CeGaT Center for Human Genetics Tuebingen
Classification: Likely benign. Last evaluated: 2024-11-01. Review status: criteria provided, single submitter. Criteria: CeGaT Center For Human Genetics Tuebingen Variant Classification Criteria Version 2. Collection method: clinical testing. Allele origin: germline. Affected: yes. Observed: 1 variant allele.
Comment: NEMF: BP4, BP7

NM_004713.6(NEMF):c.639G>C (p.Val213=)

Gene: NEMF (nuclear export mediator factor; minus strand). Cytogenetic location: 14q21.3.
Variant type: single nucleotide variant.
Coding change: c.639G>C on transcript NM_004713.6 (MANE Select); coding-DNA position 639, G replaced by C.
Protein change: p.Val213=; no amino-acid change (valine 213 retained).
Molecular consequence: synonymous variant.
Genome position (GRCh38, 1-based): chr14:49,834,385, C>G on the plus strand (G>C on the coding strand, the complement: NEMF is on the minus strand). VCF-style: chr14-49834385-C-G. GRCh37 (hg19) VCF-style: chr14-50301103-C-G.
Other names: c.639G>C, p.Val213= (NM_001301732.3).
Identifiers: ClinVar variation 3388713 (VCV003388713.14).